The following is an entry in ClinVar:

NM_170662.5(CBLB):c.1879G>C (p.Gly627Arg)

Gene: CBLB (Cbl proto-oncogene B; minus strand). Cytogenetic location: 3q13.11.
Variant type: single nucleotide variant.
Coding change: c.1879G>C on transcript NM_170662.5 (MANE Select); coding-DNA position 1879, G replaced by C.
Protein change: p.Gly627Arg; replaces glycine 627 with arginine.
Molecular consequence: missense variant. On other transcripts: non-coding transcript variant (7).
Genome position (GRCh38, 1-based): chr3:105,702,174, C>G on the plus strand (G>C on the coding strand, the complement: CBLB is on the minus strand). VCF-style: chr3-105702174-C-G. GRCh37 (hg19) VCF-style: chr3-105421018-C-G.
Other names: c.1963G>C, p.Gly655Arg (NM_001321786.1, NM_001321789.1); c.1879G>C, p.Gly627Arg (NM_001321788.2, NM_001321791.2, NM_001321793.2 and 4 more transcripts); c.1945G>C, p.Gly649Arg (NM_001321790.2); c.1732G>C, p.Gly578Arg (NM_001321796.2, NM_001321799.2); c.1099G>C, p.Gly367Arg (NM_001321806.2, NM_001321807.2, NM_001321808.2 and 3 more transcripts); c.691G>C, p.Gly231Arg (NM_001321820.2); c.550G>C, p.Gly184Arg (NM_001321822.2); short protein forms G184R, G231R, G367R, G578R, G627R, G649R, G655R.
Identifiers: ClinVar variation 2654017 (VCV002654017.24), dbSNP rs2546514183, ClinGen allele CA353899272.

ClinVar aggregate classification (germline): Uncertain significance (1 of 4 stars; one submission).

Submission:

CeGaT Center for Human Genetics Tuebingen
Classification: Uncertain significance. Last evaluated: 2023-05-01. Review status: criteria provided, single submitter. Criteria: CeGaT Center For Human Genetics Tuebingen Variant Classification Criteria Version 2. Collection method: clinical testing. Allele origin: germline. Affected: yes. Observed: 1 variant allele.
Comment: CBLB: PM2, PP3